The following is an entry in ClinVar:

ClinVar aggregate classification (germline): Uncertain significance (1 of 4 stars; one submission).

Conditions:
Facioscapulohumeral muscular dystrophy 2 (FSHD2). Also called: MUSCULAR DYSTROPHY, FACIOSCAPULOHUMERAL, TYPE 1B; FACIOSCAPULOHUMERAL MUSCULAR DYSTROPHY 2, DIGENIC; FSHD2, DIGENIC. Identifiers: Orphanet 269, MedGen C1834671, MONDO:0008031, OMIM 158901.

Submission:

Labcorp Genetics (formerly Invitae), Labcorp
Classification: Uncertain significance for Facioscapulohumeral muscular dystrophy 2. Last evaluated: 2022-09-30. Review status: criteria provided, single submitter. Criteria: Invitae Variant Classification Sherloc (09022015). Collection method: clinical testing. Allele origin: germline.
Comment: In summary, the available evidence is currently insufficient to determine the role of this variant in disease. Therefore, it has been classified as a Variant of Uncertain Significance. Advanced modeling of protein sequence and biophysical properties (such as structural, functional, and spatial information, amino acid conservation, physicochemical variation, residue mobility, and thermodynamic stability) performed at Invitae indicates that this missense variant is expected to disrupt SMCHD1 protein function. This variant has not been reported in the literature in individuals affected with SMCHD1-related conditions. This variant is not present in population databases (gnomAD no frequency). This sequence change replaces asparagine, which is neutral and polar, with tyrosine, which is neutral and polar, at codon 195 of the SMCHD1 protein (p.Asn195Tyr).

NM_015295.3(SMCHD1):c.583A>T (p.Asn195Tyr)

Gene: SMCHD1 (structural maintenance of chromosomes flexible hinge domain containing 1; plus strand). Cytogenetic location: 18p11.32.
Variant type: single nucleotide variant.
Coding change: c.583A>T on transcript NM_015295.3 (MANE Select); coding-DNA position 583, A replaced by T.
Protein change: p.Asn195Tyr; replaces asparagine 195 with tyrosine.
Molecular consequence: missense variant.
Genome position (GRCh38, 1-based): chr18:2,674,090, A>T. VCF-style: chr18-2674090-A-T. GRCh37 (hg19) VCF-style: chr18-2674089-A-T.
Other names: short protein forms N195Y.
Identifiers: ClinVar variation 1720729 (VCV001720729.5), dbSNP rs2509973799, ClinGen allele CA401690169.